The following is an entry in ClinVar:

NM_139057.4(ADAMTS17):c.123G>A (p.Trp41Ter)

Gene: ADAMTS17 (ADAM metallopeptidase with thrombospondin type 1 motif 17; minus strand). Cytogenetic location: 15q26.3.
Variant type: single nucleotide variant.
Coding change: c.123G>A on transcript NM_139057.4 (MANE Select); coding-DNA position 123, G replaced by A.
Protein change: p.Trp41Ter; replaces tryptophan 41 with a stop codon.
Molecular consequence: nonsense.
Genome position (GRCh38, 1-based): chr15:100,341,366, C>T on the plus strand (G>A on the coding strand, the complement: ADAMTS17 is on the minus strand). VCF-style: chr15-100341366-C-T. GRCh37 (hg19) VCF-style: chr15-100881571-C-T.
Other names: short protein forms W41*.
Identifiers: ClinVar variation 3616933 (VCV003616933.2).

ClinVar aggregate classification (germline): Pathogenic (1 of 4 stars; one submission).

Submission:

Labcorp Genetics (formerly Invitae), Labcorp
Classification: Pathogenic. Last evaluated: 2024-10-29. Review status: criteria provided, single submitter. Criteria: Invitae Variant Classification Sherloc (09022015). Collection method: clinical testing. Allele origin: germline.
Comment: This sequence change creates a premature translational stop signal (p.Trp41*) in the ADAMTS17 gene. It is expected to result in an absent or disrupted protein product. Loss-of-function variants in ADAMTS17 are known to be pathogenic (PMID: 19836009, 24940034). The frequency data for this variant in the population databases is considered unreliable, as metrics indicate insufficient coverage at this position in the gnomAD database. This variant has not been reported in the literature in individuals affected with ADAMTS17-related conditions. For these reasons, this variant has been classified as Pathogenic.

Literature cited by the submitters: PubMed 19836009; PubMed 24940034.